The following is an entry in ClinVar:

ClinVar aggregate classification (germline): Uncertain significance. Review status: criteria provided, multiple submitters, no conflicts (2 of 4 stars). 4 submissions from 4 submitters: Uncertain significance (4). Last evaluated 2023-10-01.

Conditions:
Dilated cardiomyopathy 1G (CMD1G). Identifiers: Orphanet 154, MedGen C1858763, MONDO:0011400, OMIM 604145.
Autosomal recessive limb-girdle muscular dystrophy type 2J (LGMDR10). Also called: Limb-girdle muscular dystrophy, type 2J; MUSCULAR DYSTROPHY, LIMB-GIRDLE, AUTOSOMAL RECESSIVE 10. Identifiers: Orphanet 140922, MedGen C1837342, MONDO:0012127, OMIM 608807.
Early-onset myopathy with fatal cardiomyopathy (CMYO5). Also called: Salih Myopathy; CONGENITAL MYOPATHY 5 WITH CARDIOMYOPATHY. Identifiers: Orphanet 289377, MedGen C2673677, MONDO:0012714, OMIM 611705. Disease mechanism: loss of function.
Tibial muscular dystrophy (TMD). Also called: UDD MYOPATHY; Tibial muscular dystrophy, tardive; Udd Distal Myopathy – Tibial Muscular Dystrophy. Identifiers: Orphanet 609, MedGen C1838244, MONDO:0010870, OMIM 600334.
Myopathy, myofibrillar, 9, with early respiratory failure (MFM9). Also called: Hereditary myopathy with early respiratory failure; MYOPATHY, PROXIMAL, WITH EARLY RESPIRATORY MUSCLE INVOLVEMENT; Myopathy, distal, with early respiratory failure, autosomal dominant; EDSTROM MYOPATHY. Identifiers: Orphanet 178464, Orphanet 34521, MedGen C1863599, MONDO:0011362, OMIM 603689.
Hypertrophic cardiomyopathy 9. Also called: Familial hypertrophic cardiomyopathy 9. Identifiers: MedGen C1861065, MONDO:0013412, OMIM 613765.

Allele frequency attached by ClinVar (database versions not stated): TOPMed 0.00004; ESP Exome Variant Server 0.00016; gnomAD 0.00001; ExAC 0.00002; gnomAD exomes 0.00002 and 0.00004.
gnomAD v4.1: 38 of 1,613,694 alleles (0.0024%); highest among the groups gnomAD compares: Middle Eastern, 0.033%; no homozygotes.

Submissions (4):

CeGaT Center for Human Genetics Tuebingen
Classification: Uncertain significance. Last evaluated: 2023-10-01. Review status: criteria provided, single submitter. Criteria: CeGaT Center For Human Genetics Tuebingen Variant Classification Criteria Version 2. Collection method: clinical testing. Allele origin: germline. Affected: yes. Observed: 1 variant allele.
Comment: TTN: PM2

Fulgent Genetics
Classification: Uncertain significance for Tibial muscular dystrophy; Myopathy, myofibrillar, 9, with early respiratory failure; Dilated cardiomyopathy 1G; Autosomal recessive limb-girdle muscular dystrophy type 2J; Early-onset myopathy with fatal cardiomyopathy; Hypertrophic cardiomyopathy 9. Last evaluated: 2021-08-10. Review status: criteria provided, single submitter. Criteria: ACMG Guidelines, 2015. Collection method: clinical testing. Allele origin: unknown.

Labcorp Genetics (formerly Invitae), Labcorp
Classification: Uncertain significance for Dilated cardiomyopathy 1G; Autosomal recessive limb-girdle muscular dystrophy type 2J. Last evaluated: 2017-05-30. Review status: criteria provided, single submitter. Criteria: Invitae Variant Classification Sherloc (09022015). Collection method: clinical testing. Allele origin: germline.

Breakthrough Genomics
Classification: Uncertain significance. Review status: criteria provided, single submitter. Criteria: ACMG Guidelines, 2015. Collection method: not provided. Allele origin: germline. Inheritance: Autosomal recessive inheritance. Affected: yes.

NM_001267550.2(TTN):c.92488G>A (p.Val30830Ile)

Genes: TTN (titin; minus strand), TTN-AS1 (TTN antisense RNA 1; plus strand). Cytogenetic location: 2q31.2.
Variant type: single nucleotide variant.
Coding change: c.92488G>A on transcript NM_001267550.2 (MANE Select); coding-DNA position 92488, G replaced by A.
Protein change: p.Val30830Ile; replaces valine 30830 with isoleucine.
Molecular consequence: missense variant.
Genome position (GRCh38, 1-based): chr2:178,549,138, C>T on the plus strand (G>A on the coding strand, the complement: TTN is on the minus strand). VCF-style: chr2-178549138-C-T. GRCh37 (hg19) VCF-style: chr2-179413865-C-T.
Other names: c.87565G>A, p.Val29189Ile (NM_001256850.1); c.65293G>A, p.Val21765Ile (NM_003319.4); c.84784G>A, p.Val28262Ile (NM_133378.4); c.65668G>A, p.Val21890Ile (NM_133432.3); c.65869G>A, p.Val21957Ile (NM_133437.4); short protein forms V30830I, V21890I, V21957I, V21765I, V28262I, V29189I.
Identifiers: ClinVar variation 467648 (VCV000467648.39), dbSNP rs376287060, ClinGen allele CA1987439.